The following is an entry in ClinVar:

ClinVar aggregate classification (germline): Pathogenic (1 of 4 stars; one submission).

Conditions:
Neurofibromatosis, type 1 (NF1). Also called: VON RECKLINGHAUSEN DISEASE; Peripheral type neurofibromatosis; NEUROFIBROMATOSIS, TYPE I, SOMATIC; Neurofibromatosis, type I. Identifiers: Orphanet 636, MedGen C0027831, MONDO:0018975, OMIM 162200. Disease mechanism: loss of function.

Submission:

Labcorp Genetics (formerly Invitae), Labcorp
Classification: Pathogenic for Neurofibromatosis, type 1. Last evaluated: 2020-06-22. Review status: criteria provided, single submitter. Criteria: Invitae Variant Classification Sherloc (09022015). Collection method: clinical testing. Allele origin: germline.
Comment: For these reasons, this variant has been classified as Pathogenic. Loss-of-function variants in NF1 are known to be pathogenic (PMID: 10712197, 23913538). This variant has not been reported in the literature in individuals with NF1-related conditions. This variant is an out-of-frame deletion of the genomic region encompassing exon(s) 9-38 of the NF1 gene. This is expected to create a premature translational stop signal and result in an absent or disrupted protein product.

Literature cited by the submitters: PubMed 10712197; PubMed 23913538.

NC_000017.10:g.(?_29527428)_(29657848_?)del

Genes: EVI2A (ecotropic viral integration site 2A; minus strand), EVI2B (ecotropic viral integration site 2B; minus strand), NF1 (neurofibromin 1; plus strand), OMG (oligodendrocyte myelin glycoprotein; minus strand). Cytogenetic location: 17q11.2.
Variant type: Deletion.
Identifiers: ClinVar variation 1070266 (VCV001070266.3).